The following is an entry in ClinVar:

NM_002485.5(NBN):c.2012A>C (p.Asn671Thr)

Gene: NBN (nibrin; minus strand). Cytogenetic location: 8q21.3.
Variant type: single nucleotide variant.
Coding change: c.2012A>C on transcript NM_002485.5 (MANE Select); coding-DNA position 2012, A replaced by C.
Protein change: p.Asn671Thr; replaces asparagine 671 with threonine.
Molecular consequence: missense variant.
Genome position (GRCh38, 1-based): chr8:89,946,198, T>G on the plus strand (A>C on the coding strand, the complement: NBN is on the minus strand). VCF-style: chr8-89946198-T-G. GRCh37 (hg19) VCF-style: chr8-90958426-T-G.
Other names: c.1766A>C, p.Asn589Thr (NM_001024688.3); short protein forms N671T, N589T.
Identifiers: ClinVar variation 1387251 (VCV001387251.6), dbSNP rs1563513183, ClinGen allele CA371676445.

ClinVar aggregate classification (germline): Uncertain significance (1 of 4 stars; one submission).

Conditions:
Microcephaly, normal intelligence and immunodeficiency (NBS). Also called: SEEMANOVA SYNDROME II; IMMUNODEFICIENCY, MICROCEPHALY, AND CHROMOSOMAL INSTABILITY; Immunodeficiency, microcephaly with normal intelligence; BERLIN BREAKAGE SYNDROME; Nijmegen breakage syndrome; Microcephaly with normal intelligence immunodeficiency and lymphoreticular malignancies. Identifiers: Orphanet 647, MedGen C0398791, MONDO:0009623, OMIM 251260.

Submission:

Labcorp Genetics (formerly Invitae), Labcorp
Classification: Uncertain significance for Microcephaly, normal intelligence and immunodeficiency. Last evaluated: 2021-10-15. Review status: criteria provided, single submitter. Criteria: Invitae Variant Classification Sherloc (09022015). Collection method: clinical testing. Allele origin: germline.
Comment: In summary, the available evidence is currently insufficient to determine the role of this variant in disease. Therefore, it has been classified as a Variant of Uncertain Significance. Algorithms developed to predict the effect of missense changes on protein structure and function (SIFT, PolyPhen-2, Align-GVGD) all suggest that this variant is likely to be tolerated. This variant has not been reported in the literature in individuals affected with NBN-related conditions. This variant is not present in population databases (ExAC no frequency). This sequence change replaces asparagine with threonine at codon 671 of the NBN protein (p.Asn671Thr). The asparagine residue is weakly conserved and there is a small physicochemical difference between asparagine and threonine.